The following is an entry in ClinVar:

NM_001278716.2(FBXL4):c.822G>T (p.Gly274=)

Gene: FBXL4 (F-box and leucine rich repeat protein 4; minus strand). Cytogenetic location: 6q16.2.
Variant type: single nucleotide variant.
Coding change: c.822G>T on transcript NM_001278716.2 (MANE Select); coding-DNA position 822, G replaced by T.
Protein change: p.Gly274=; no amino-acid change (glycine 274 retained).
Molecular consequence: synonymous variant.
Genome position (GRCh38, 1-based): chr6:98,917,410, C>A on the plus strand (G>T on the coding strand, the complement: FBXL4 is on the minus strand). VCF-style: chr6-98917410-C-A. GRCh37 (hg19) VCF-style: chr6-99365286-C-A.
Other names: c.822G>T, p.Gly274= (NM_012160.5).
Identifiers: ClinVar variation 437640 (VCV000437640.3), dbSNP rs774255399, ClinGen allele CA3933611.

ClinVar aggregate classification (germline): Conflicting classifications of pathogenicity. Review status: criteria provided, conflicting classifications (1 of 4 stars). 2 submissions from 2 submitters: Uncertain significance (1); Likely benign (1). Last evaluated 2025-01-02.

Conditions:
Mitochondrial DNA depletion syndrome 13. Also called: FBXL4-Related Encephalomyopathic Mitochondrial DNA Depletion Syndrome; Mitochondrial DNA depletion syndrome 13 (encephalomyopathic type). Identifiers: Orphanet 369897, MedGen C3809592, MONDO:0014198, OMIM 615471.

Allele frequency attached by ClinVar (database versions not stated): gnomAD exomes below 0.00001; ExAC 0.00001.
gnomAD v4.1: 2 of 1,610,966 alleles (0.00012%); highest among the groups gnomAD compares: African/African-American, 0.0027%; no homozygotes.

Submissions (2):

Labcorp Genetics (formerly Invitae), Labcorp
Classification: Likely benign. Last evaluated: 2025-01-02. Review status: criteria provided, single submitter. Criteria: Invitae Variant Classification Sherloc (09022015). Collection method: clinical testing. Allele origin: germline.

Wong Mito Lab, Molecular and Human Genetics, Baylor College of Medicine
Classification: Uncertain significance for Mitochondrial DNA depletion syndrome 13. Last evaluated: 2017-08-10. Review status: criteria provided, single submitter. Criteria: ACMG Guidelines, 2015. Collection method: reference population. Allele origin: germline.
Comment: The NM_012160.4:c.822G>T (NP_036292.2:p.Gly274=) [GRCH38: NC_000006.12:g.98917410C>A] variant in FBXL4 gene is interpretated to be a Uncertain Significance - Insufficient Evidence based on ACMG guidelines (PMID: 25741868). This variant meets one or more of the following evidence codes reported in the ACMG-guideline. PM2:This variant is absent in key population databases. PP3:Computational evidence/predictors indicate the variant has deleterious effect on FBXL4 structure, function, or protein-protein interaction. Based on this evidence code ClinGen Pathogenicity Calculator (PMID:28081714) suggested that the variant is Uncertain Significance - Insufficient Evidence.